The following is an entry in ClinVar:

NM_024649.5(BBS1):c.1076G>A (p.Arg359His)

Genes: BBS1 (Bardet-Biedl syndrome 1; plus strand), ZDHHC24 (zDHHC palmitoyltransferase 24; minus strand). Cytogenetic location: 11q13.2.
Variant type: single nucleotide variant.
Coding change: c.1076G>A on transcript NM_024649.5 (MANE Select); coding-DNA position 1076, G replaced by A.
Protein change: p.Arg359His; replaces arginine 359 with histidine.
Molecular consequence: missense variant. On other transcripts: intron variant (1).
Genome position (GRCh38, 1-based): chr11:66,523,848, G>A. VCF-style: chr11-66523848-G-A. GRCh37 (hg19) VCF-style: chr11-66291319-G-A.
Other names: c.*22-2382C>T (NM_001348571.2); short protein forms R359H.
Identifiers: ClinVar variation 2172363 (VCV002172363.8), dbSNP rs147766972, ClinGen allele CA6123605.

ClinVar aggregate classification (germline): Conflicting classifications of pathogenicity. Review status: criteria provided, conflicting classifications (1 of 4 stars). 5 submissions from 5 submitters: Uncertain significance (3); Likely benign (1). 1 of the submissions does not count toward it. Last evaluated 2024-05-10.

Conditions:
BBS1-related disorder. Also called: BBS1-related condition.
Bardet-Biedl syndrome 1 (BBS1). Identifiers: MedGen C2936862, MONDO:0008854, OMIM 209900. Disease mechanism: loss of function.
Inborn genetic diseases. Identifiers: MedGen C0950123, MeSH D030342.
Bardet-Biedl syndrome (BBS). Identifiers: Orphanet 110, MedGen C0752166, MONDO:0015229.

Allele frequency attached by ClinVar (database versions not stated): ExAC 0.00006; gnomAD exomes 0.00004; ESP Exome Variant Server 0.00008; gnomAD 0.00019; TOPMed 0.00020.
gnomAD v4.1: 92 of 1,613,526 alleles (0.0057%); highest among the groups gnomAD compares: African/African-American, 0.06%; 1 homozygote.

Submissions (5):

Fulgent Genetics
Classification: Uncertain significance for Bardet-Biedl syndrome 1. Last evaluated: 2024-05-10. Review status: criteria provided, single submitter. Criteria: ACMG Guidelines, 2015. Collection method: clinical testing. Allele origin: germline.

Labcorp Genetics (formerly Invitae), Labcorp
Classification: Uncertain significance for Bardet-Biedl syndrome. Last evaluated: 2024-04-05. Review status: criteria provided, single submitter. Criteria: Invitae Variant Classification Sherloc (09022015). Collection method: clinical testing. Allele origin: germline.
Comment: This sequence change replaces arginine, which is basic and polar, with histidine, which is basic and polar, at codon 359 of the BBS1 protein (p.Arg359His). This variant is present in population databases (rs147766972, gnomAD 0.05%), including at least one homozygous and/or hemizygous individual. This variant has not been reported in the literature in individuals affected with BBS1-related conditions. ClinVar contains an entry for this variant (Variation ID: 2172363). Advanced modeling of protein sequence and biophysical properties (such as structural, functional, and spatial information, amino acid conservation, physicochemical variation, residue mobility, and thermodynamic stability) performed at Invitae indicates that this missense variant is not expected to disrupt BBS1 protein function with a negative predictive value of 80%. In summary, the available evidence is currently insufficient to determine the role of this variant in disease. Therefore, it has been classified as a Variant of Uncertain Significance.

Blueprint Genetics
Classification: Uncertain significance. Last evaluated: 2022-07-29. Review status: criteria provided, single submitter. Criteria: ACMG Guidelines, 2015. Collection method: clinical testing. Allele origin: germline.

Ambry Genetics
Classification: Likely benign for Inborn genetic diseases. Last evaluated: 2021-06-30. Review status: criteria provided, single submitter. Criteria: Ambry Variant Classification Scheme 2023. Collection method: clinical testing. Allele origin: germline.

PreventionGenetics, part of Exact Sciences
Classification: Uncertain significance for BBS1-related condition. Last evaluated: 2024-02-23. Review status: no assertion criteria provided. Collection method: clinical testing. Allele origin: germline. Not counted in ClinVar's aggregate classification.
Comment: The BBS1 c.1076G>A variant is predicted to result in the amino acid substitution p.Arg359His. To our knowledge, this variant has not been reported in the literature. This variant is reported in 0.048% of alleles in individuals of African descent in gnomAD, including one homozygous individual. Although we suspect that this variant may be benign, at this time, the clinical significance of this variant is uncertain due to the absence of conclusive functional and genetic evidence.